The following is an entry in ClinVar:

ClinVar aggregate classification (germline): Uncertain significance (1 of 4 stars; one submission).

Conditions:
Long QT syndrome (LQTS). Identifiers: MedGen C0023976, MeSH D008133, MONDO:0002442. Disease mechanism: loss of function. Inheritance: Various modes of inheritance.

gnomAD v4.1: 1 of 1,595,696 alleles (0.000063%); highest among the groups gnomAD compares: Non-Finnish European, 0.000085%; no homozygotes.

Submission:

Labcorp Genetics (formerly Invitae), Labcorp
Classification: Uncertain significance for Long QT syndrome. Last evaluated: 2024-06-10. Review status: criteria provided, single submitter. Criteria: Invitae Variant Classification Sherloc (09022015). Collection method: clinical testing. Allele origin: germline.
Comment: This sequence change replaces lysine, which is basic and polar, with threonine, which is neutral and polar, at codon 2054 of the CACNA1C protein (p.Lys2054Thr). This variant is present in population databases (no rsID available, gnomAD 0.001%). This variant has not been reported in the literature in individuals affected with CACNA1C-related conditions. Advanced modeling of protein sequence and biophysical properties (such as structural, functional, and spatial information, amino acid conservation, physicochemical variation, residue mobility, and thermodynamic stability) performed at Invitae indicates that this missense variant is not expected to disrupt CACNA1C protein function with a negative predictive value of 95%. In summary, the available evidence is currently insufficient to determine the role of this variant in disease. Therefore, it has been classified as a Variant of Uncertain Significance.

NM_000719.7(CACNA1C):c.6161A>C (p.Lys2054Thr)

Genes: CACNA1C-AS1 (CACNA1C antisense RNA 1; minus strand), CACNA1C (calcium voltage-gated channel subunit alpha1 C; plus strand). Cytogenetic location: 12p13.33.
Variant type: single nucleotide variant.
Coding change: c.6161A>C on transcript NM_000719.7 (MANE Select); coding-DNA position 6161, A replaced by C.
Protein change: p.Lys2054Thr; replaces lysine 2054 with threonine.
Molecular consequence: missense variant. On other transcripts: non-coding transcript variant (1).
Genome position (GRCh38, 1-based): chr12:2,690,943, A>C. VCF-style: chr12-2690943-A-C. GRCh37 (hg19) VCF-style: chr12-2800109-A-C.
Other names: c.6218A>C, p.Lys2073Thr (NM_001129835.2, NM_001129833.2, NM_001129834.2); c.6212A>C, p.Lys2071Thr (NM_001129836.2); c.6185A>C, p.Lys2062Thr (NM_001129837.2, NM_001129838.2); c.6179A>C, p.Lys2060Thr (NM_001129839.2); c.6161A>C, p.Lys2054Thr (NM_001129840.2, NM_001129841.2, NM_001129842.2 and 2 more transcripts); c.6305A>C, p.Lys2102Thr (NM_001129827.2); c.6284A>C, p.Lys2095Thr (NM_001129829.2); c.6266A>C, p.Lys2089Thr (NM_001129830.3, NM_001167624.3); and 6 more; short protein forms K2054T, K2060T, K2082T, K2051T, K2062T, K2043T, K2073T, K2074T.
Identifiers: ClinVar variation 2820169 (VCV002820169.3), dbSNP rs200588235, ClinGen allele CA383386198.